The following is an entry in ClinVar:

NM_004385.5(VCAN):c.9566C>A (p.Thr3189Lys)

Genes: VCAN (versican; plus strand), VCAN-AS1 (VCAN antisense RNA 1; minus strand). Cytogenetic location: 5q14.3.
Variant type: single nucleotide variant.
Coding change: c.9566C>A on transcript NM_004385.5 (MANE Select); coding-DNA position 9566, C replaced by A.
Protein change: p.Thr3189Lys; replaces threonine 3189 with lysine.
Molecular consequence: missense variant.
Genome position (GRCh38, 1-based): chr5:83,553,436, C>A. VCF-style: chr5-83553436-C-A. GRCh37 (hg19) VCF-style: chr5-82849255-C-A.
Other names: c.1343C>A, p.Thr448Lys (NM_001126336.3); c.6605C>A, p.Thr2202Lys (NM_001164097.2); c.4304C>A, p.Thr1435Lys (NM_001164098.2); short protein forms T448K, T1435K, T3189K, T2202K.
Identifiers: ClinVar variation 3004028 (VCV003004028.3), dbSNP rs1279371377, ClinGen allele CA360297404.

ClinVar aggregate classification (germline): Uncertain significance (1 of 4 stars; one submission).

Allele frequency attached by ClinVar (database versions not stated): gnomAD 0.00001; TOPMed 0.00001.
gnomAD v4.1: 2 of 1,613,974 alleles (0.00012%); highest among the groups gnomAD compares: African/African-American, 0.0027%; no homozygotes.

Submission:

Labcorp Genetics (formerly Invitae), Labcorp
Classification: Uncertain significance. Last evaluated: 2023-01-06. Review status: criteria provided, single submitter. Criteria: Invitae Variant Classification Sherloc (09022015). Collection method: clinical testing. Allele origin: germline.
Comment: In summary, the available evidence is currently insufficient to determine the role of this variant in disease. Therefore, it has been classified as a Variant of Uncertain Significance. Algorithms developed to predict the effect of missense changes on protein structure and function (SIFT, PolyPhen-2, Align-GVGD) all suggest that this variant is likely to be disruptive. This variant has not been reported in the literature in individuals affected with VCAN-related conditions. This variant is present in population databases (no rsID available, gnomAD 0.007%). This sequence change replaces threonine, which is neutral and polar, with lysine, which is basic and polar, at codon 3189 of the VCAN protein (p.Thr3189Lys).